The following is an entry in ClinVar:

ClinVar aggregate classification (germline): Pathogenic/Likely pathogenic. Review status: criteria provided, multiple submitters, no conflicts (2 of 4 stars). 21 submissions from 20 submitters: Pathogenic (17); Likely pathogenic (1). 3 of the submissions do not count toward it. Last evaluated 2026-09-01.
ClinVar aggregate classification (oncogenicity): Oncogenic. Review status: criteria provided, multiple submitters, no conflicts (2 of 4 stars). 2 submissions from 2 submitters. Last evaluated 2026-10-16.

Conditions:
EBV-positive nodal T- and NK-cell lymphoma.
DNMT3A-related disorder. Also called: DNMT3A-related disorders; DNMT3A-related condition.
Heyn-Sproul-Jackson syndrome. Also called: MICROCEPHALY, SHORT STATURE, AND IMPAIRED INTELLECTUAL DEVELOPMENT. Identifiers: Orphanet 658595, MedGen C5231475, MONDO:0032882, OMIM 618724.
Tatton-Brown-Rahman overgrowth syndrome. Also called: Tatton-Brown-Rahman syndrome; Tall stature-intellectual disability-facial dysmorphism syndrome. Identifiers: Orphanet 404443, MedGen C4014545, MONDO:0014382, OMIM 615879.
Inborn genetic diseases. Identifiers: MedGen C0950123, MeSH D030342.
Acute myeloid leukemia (AML). Also called: Acute myeloid leukemia, adult; AML adult; Acute non-lymphocytic leukemia; Acute granulocytic leukemia; Leukemia, acute myeloid, somatic; Leukemia, acute myelogenous, somatic. Identifiers: Orphanet 519, MedGen C0023467, MeSH D015470, MONDO:0018874, OMIM 601626, HP:0004808. Disease mechanism: Constitutively activated FLT3.
Neurodevelopmental disorder. Identifiers: MedGen C1535926, MeSH D065886, MONDO:0700092.
Neoplasm. Also called: Neoplasms; Neoplasm (disease); tumor. Identifiers: MedGen C0027651, MeSH D009369, MONDO:0005070, HP:0002664.

Allele frequency attached by ClinVar (database versions not stated): ESP Exome Variant Server 0.00031; ExAC 0.00036.
gnomAD v4.1: 242 of 1,613,128 alleles (0.015%); highest among the groups gnomAD compares: Middle Eastern, 0.033%; no homozygotes.

Submissions 1 to 11 of 23:

Center for Virology of Infectious and Tropical Diseases (CVMIT), Mohammed V Military Teaching Hospital
Classification: Oncogenic for Acute myeloid leukemia. Last evaluated: 2026-10-16. Review status: criteria provided, single submitter. Criteria: ClinGen/CGC/VICC Guidelines for Oncogenicity, 2022. Collection method: research. Allele origin: somatic. Affected: yes. Observed: 1 variant allele.
Comment: DNMT3A p.Arg882Cys. Oncogenicity classified with the ClinGen/CGC/VICC SOP (Horak et al. 2022, PMID:35101336). Criteria applied: OS2: DNMT3A R882 mutants have reduced methyltransferase activity with dominant-negative inhibition of wild-type DNMT3A, and R882C AML samples show the same focal hypomethylation phenotype as R882H (PMID:24656771, PMID:21067377); OS3: DNMT3A R882 hotspot, highly recurrent in AML (tumour-type data used per SOP caveat; PMID:21067377); concordant in silico predictions (CADD 34, AlphaMissense likely pathogenic 0.998, SIFT deleterious, PolyPhen probably damaging) (OP1); present in gnomAD v4 only at very low allele frequency (AF 1.5e-4), compatible with clonal hematopoiesis in controls (OP4). Total 10 points (Oncogenic). ClinVar at analysis (release 2022-07-09, used by Ion Reporter): Variation ID 375882, Pathogenic. Current record: ClinVar VCV000375882.45 (consulted 2026-10-29): germline classification Pathogenic/Likely pathogenic; somatic oncogenicity Oncogenic.

CeGaT Center for Human Genetics Tuebingen
Classification: Pathogenic. Last evaluated: 2026-09-01. Review status: criteria provided, single submitter. Criteria: CeGaT Center For Human Genetics Tuebingen Variant Classification Criteria Version 2. Collection method: clinical testing. Allele origin: germline. Affected: yes. Observed: 4 variant alleles.
Comment: DNMT3A: PS2, PS4, PM1, PM5, PP3, PS3:Supporting

Institute of Human Genetics, University of Leipzig Medical Center
Classification: Pathogenic for Acute myeloid leukemia. Last evaluated: 2025-12-08. Review status: criteria provided, single submitter. Criteria: ACMG Guidelines, 2015. Collection method: clinical testing. Allele origin: unknown. Affected: yes.

Labcorp Genetics (formerly Invitae), Labcorp
Classification: Pathogenic for Tatton-Brown-Rahman overgrowth syndrome. Last evaluated: 2025-07-03. Review status: criteria provided, single submitter. Criteria: Invitae Variant Classification Sherloc (09022015). Collection method: clinical testing. Allele origin: germline.
Comment: This sequence change replaces arginine, which is basic and polar, with cysteine, which is neutral and slightly polar, at codon 882 of the DNMT3A protein (p.Arg882Cys). The frequency data for this variant in the population databases is considered unreliable, as metrics indicate poor data quality at this position in the gnomAD database. This missense change has been observed in individual(s) with Tatton-Brown-Rahman syndrome (PMID: 27317772, 28432085). In at least one individual the variant was observed to be de novo. ClinVar contains an entry for this variant (Variation ID: 375882). Invitae Evidence Modeling of protein sequence and biophysical properties (such as structural, functional, and spatial information, amino acid conservation, physicochemical variation, residue mobility, and thermodynamic stability) indicates that this missense variant is expected to disrupt DNMT3A protein function with a positive predictive value of 95%. Experimental studies have shown that this missense change affects DNMT3A function (PMID: 31620784). For these reasons, this variant has been classified as Pathogenic.

Center for Genomic Medicine, Rigshospitalet, Copenhagen University Hospital
Classification: Oncogenic for Neoplasm. Last evaluated: 2025-03-04. Review status: criteria provided, single submitter. Criteria: ClinGen/CGC/VICC Guidelines for Oncogenicity, 2022. Collection method: clinical testing. Allele origin: somatic. Affected: yes.

PreventionGenetics, part of Exact Sciences
Classification: Pathogenic for DNMT3A-related condition. Last evaluated: 2025-01-16. Review status: criteria provided, single submitter. Criteria: ACMG Guidelines, 2015. Collection method: clinical testing. Allele origin: germline.
Comment: The DNMT3A c.2644C>T variant is predicted to result in the amino acid substitution p.Arg882Cys. This variant has been reported as a de novo variant in two patients with Sotos-like syndrome (Tlemsani et al. 2016. PubMed ID: 27317772), in one patient with Tatton–Brown–Rahman syndrome (see patient 3, Shen et al. 2017. PubMed ID: 28941052), and in another patient with Tatton-Brown-Rahman syndrome, who developed acute myeloid leukaemia (Hollink et al. 2017. PubMed ID: 28432085). This variant has also been reported in the germline context in a patient with lung cancer (Li et al. 2021. PubMed ID: 33878367). In summary, we classify this variant as pathogenic.

3billion
Classification: Likely pathogenic for Heyn-Sproul-Jackson syndrome. Last evaluated: 2024-11-22. Review status: criteria provided, single submitter. Criteria: ACMG Guidelines, 2015. Collection method: clinical testing. Allele origin: germline. Affected: yes.
Comment: The variant is observed at an allele frequency greater than expected for the associated disorder in the gnomAD v4.1.0 dataset. However, frequency data for this variant in the general population is uninformative in assessment of variant pathogenicity as observed frequencies are confounding somatic variants in individuals with age-related clonal hematopoiesis. Predicted Consequence/Location: Missense variant In silico tool predictions suggest damaging effect of the variant on gene or gene product [REVEL: 0.89 (>=0.6, sensitivity 0.68 and specificity 0.92); 3Cnet: 0.78 (>=0.6, sensitivity 0.72 and precision 0.9)]. The same nucleotide change resulting in the same amino acid change has been previously reported as pathogenic/likely pathogenic with strong evidence (ClinVar ID: VCV000375882 /PMID: 27317772 /3billion dataset). Different missense changes at the same codon (p.Arg882Gly, p.Arg882His, p.Arg882Leu, p.Arg882Pro, p.Arg882Ser) have been reported as pathogenic/likely pathogenic with strong evidence (ClinVar ID: VCV000375879, VCV000375880, VCV000375881, VCV000375883, VCV000375884 /PMID: 27991732, 34092059 /3billion dataset). Therefore, this variant is classified as Likely pathogenic according to the recommendation of ACMG/AMP guideline.

Genomic Medicine Center of Excellence, King Faisal Specialist Hospital and Research Centre
Classification: Pathogenic for Tatton-Brown-Rahman overgrowth syndrome. Last evaluated: 2024-09-22. Review status: criteria provided, single submitter. Criteria: ACMG Guidelines, 2015. Collection method: clinical testing. Allele origin: germline.

GeneDx
Classification: Pathogenic. Last evaluated: 2024-08-27. Review status: criteria provided, single submitter. Criteria: GeneDx Variant Classification Process June 2021. Collection method: clinical testing. Allele origin: germline. Affected: yes.
Comment: In silico analysis supports that this missense variant has a deleterious effect on protein structure/function; This variant is associated with the following publications: (PMID: 23741974, 21859430, 35861108, 33057194, 35982159, 33878367, 22829128, 28432085, 28941052, 27317772, 34788385)

Department of Pathology and Laboratory Medicine, Sinai Health System
Classification: Pathogenic for Tatton-Brown-Rahman overgrowth syndrome. Last evaluated: 2023-06-12. Review status: criteria provided, single submitter. Criteria: ACMG Guidelines, 2015. Collection method: research. Allele origin: germline.

Institute for Genomic Medicine (IGM) Clinical Laboratory, Nationwide Children's Hospital
Classification: Pathogenic for Tatton-Brown-Rahman overgrowth syndrome. Last evaluated: 2022-09-05. Review status: criteria provided, single submitter. Criteria: ACMG Guidelines, 2015. Collection method: clinical testing. Allele origin: germline.
Comment: This variant has been reported at an elevated frequency in affected individuals/in multiple affected individuals in the literature (ACMG/AMP: PS4; PMIDs:22744846, 21067377, 24606448, 22898539). This variant is located in a mutational hot spot and/or critical and well-established functional domain (ACMG/AMP: PM1; PMID:28941052). This variant has been reported to occur de novo in an affected individual in the literature without parental identity confirmed (ACMG/AMP: PM6_Strong; PMIDs:27317772, 28941052, 29900417, 28432085). This variant is predicted to alter protein function or structure, or disrupt splicing by multiple in silico tools (ACMG/AMP: PP3).

NM_022552.5(DNMT3A):c.2644C>T (p.Arg882Cys)

Gene: DNMT3A (DNA methyltransferase 3 alpha; minus strand). Cytogenetic location: 2p23.3.
Variant type: single nucleotide variant.
Coding change: c.2644C>T on transcript NM_022552.5 (MANE Select); coding-DNA position 2644, C replaced by T.
Protein change: p.Arg882Cys; replaces arginine 882 with cysteine.
Molecular consequence: missense variant. On other transcripts: non-coding transcript variant (1).
Genome position (GRCh38, 1-based): chr2:25,234,374, G>A on the plus strand (C>T on the coding strand, the complement: DNMT3A is on the minus strand). VCF-style: chr2-25234374-G-A. GRCh37 (hg19) VCF-style: chr2-25457243-G-A.
Other names: c.2644C>T, p.Arg882Cys (NM_175629.2); c.2188C>T, p.Arg730Cys (NM_001320893.1); c.1975C>T, p.Arg659Cys (NM_001375819.1); c.2077C>T, p.Arg693Cys (NM_153759.3); short protein forms R693C, R882C, R730C, R659C.
Identifiers: ClinVar variation 375882 (VCV000375882.48), dbSNP rs377577594, ClinGen allele CA1555491.